The following is an entry in ClinVar:

NM_001211.6(BUB1B):c.937T>C (p.Trp313Arg)

Gene: BUB1B (BUB1 mitotic checkpoint serine/threonine kinase B; plus strand). Cytogenetic location: 15q15.1.
Variant type: single nucleotide variant.
Coding change: c.937T>C on transcript NM_001211.6 (MANE Select); coding-DNA position 937, T replaced by C.
Protein change: p.Trp313Arg; replaces tryptophan 313 with arginine.
Molecular consequence: missense variant.
Genome position (GRCh38, 1-based): chr15:40,185,350, T>C. VCF-style: chr15-40185350-T-C. GRCh37 (hg19) VCF-style: chr15-40477551-T-C.
Other names: short protein forms W313R.
Identifiers: ClinVar variation 2450826 (VCV002450826.2), dbSNP rs1168537647, ClinGen allele CA391684766.

ClinVar aggregate classification (germline): Uncertain significance (1 of 4 stars; one submission).

Conditions:
Inborn genetic diseases. Identifiers: MedGen C0950123, MeSH D030342.

Submission:

Ambry Genetics
Classification: Uncertain significance for Inborn genetic diseases. Last evaluated: 2023-01-18. Review status: criteria provided, single submitter. Criteria: Ambry Variant Classification Scheme 2023. Collection method: clinical testing. Allele origin: germline.
Comment: The p.W313R variant (also known as c.937T>C), located in coding exon 7 of the BUB1B gene, results from a T to C substitution at nucleotide position 937. The tryptophan at codon 313 is replaced by arginine, an amino acid with dissimilar properties. This amino acid position is conserved. In addition, the in silico prediction for this alteration is inconclusive. Since supporting evidence is limited at this time, the clinical significance of this alteration remains unclear.